The following is an entry in ClinVar:

NM_000245.4(MET):c.1850G>A (p.Ser617Asn)

Gene: MET (MET proto-oncogene, receptor tyrosine kinase; plus strand). Cytogenetic location: 7q31.2.
Variant type: single nucleotide variant.
Coding change: c.1850G>A on transcript NM_000245.4 (MANE Select); coding-DNA position 1850, G replaced by A.
Protein change: p.Ser617Asn; replaces serine 617 with asparagine.
Molecular consequence: missense variant.
Genome position (GRCh38, 1-based): chr7:116,755,503, G>A. VCF-style: chr7-116755503-G-A. GRCh37 (hg19) VCF-style: chr7-116395557-G-A.
Other names: c.1850G>A, p.Ser617Asn (NM_001127500.3, NM_001324401.3); c.560G>A, p.Ser187Asn (NM_001324402.2); short protein forms S187N, S617N.
Identifiers: ClinVar variation 1056101 (VCV001056101.12), dbSNP rs1481812764, ClinGen allele CA368978323.

ClinVar aggregate classification (germline): Uncertain significance. Review status: criteria provided, multiple submitters, no conflicts (2 of 4 stars). 2 submissions from 2 submitters: Uncertain significance (2). Last evaluated 2024-03-28.

Conditions:
Hereditary cancer-predisposing syndrome. Also called: Hereditary Cancer Syndrome; Tumor predisposition; Hereditary neoplastic syndrome; Neoplastic Syndromes, Hereditary. Identifiers: Orphanet 140162, MedGen C0027672, MeSH D009386, MONDO:0015356.
Renal cell carcinoma. Identifiers: Orphanet 217071, MedGen C0007134, MeSH D002292, MONDO:0005086, HP:0005584.

Allele frequency attached by ClinVar (database versions not stated): gnomAD 0.00001; TOPMed 0.00001.
gnomAD v4.1: 9 of 1,613,996 alleles (0.00056%); highest among the groups gnomAD compares: Non-Finnish European, 0.00076%; no homozygotes.

Submissions (2):

Ambry Genetics
Classification: Uncertain significance for Hereditary cancer-predisposing syndrome. Last evaluated: 2024-03-28. Review status: criteria provided, single submitter. Criteria: Ambry Variant Classification Scheme 2023. Collection method: clinical testing. Allele origin: germline.
Comment: The p.S617N variant (also known as c.1850G>A), located in coding exon 5 of the MET gene, results from a G to A substitution at nucleotide position 1850. The serine at codon 617 is replaced by asparagine, an amino acid with highly similar properties. This amino acid position is conserved. In addition, the in silico prediction for this alteration is inconclusive. Since supporting evidence is limited at this time, the clinical significance of this alteration remains unclear.

Labcorp Genetics (formerly Invitae), Labcorp
Classification: Uncertain significance for Renal cell carcinoma. Last evaluated: 2024-01-08. Review status: criteria provided, single submitter. Criteria: Invitae Variant Classification Sherloc (09022015). Collection method: clinical testing. Allele origin: germline.
Comment: This sequence change replaces serine, which is neutral and polar, with asparagine, which is neutral and polar, at codon 617 of the MET protein (p.Ser617Asn). This variant is not present in population databases (gnomAD no frequency). This variant has not been reported in the literature in individuals affected with MET-related conditions. ClinVar contains an entry for this variant (Variation ID: 1056101). Advanced modeling of protein sequence and biophysical properties (such as structural, functional, and spatial information, amino acid conservation, physicochemical variation, residue mobility, and thermodynamic stability) has been performed at Invitae for this missense variant, however the output from this modeling did not meet the statistical confidence thresholds required to predict the impact of this variant on MET protein function. In summary, the available evidence is currently insufficient to determine the role of this variant in disease. Therefore, it has been classified as a Variant of Uncertain Significance.